The following is an entry in ClinVar:

NM_001363711.2(DUOX2):c.1087A>G (p.Ser363Gly)

Gene: DUOX2 (dual oxidase 2; minus strand). Cytogenetic location: 15q21.1.
Variant type: single nucleotide variant.
Coding change: c.1087A>G on transcript NM_001363711.2 (MANE Select); coding-DNA position 1087, A replaced by G.
Protein change: p.Ser363Gly; replaces serine 363 with glycine.
Molecular consequence: missense variant.
Genome position (GRCh38, 1-based): chr15:45,109,934, T>C on the plus strand (A>G on the coding strand, the complement: DUOX2 is on the minus strand). VCF-style: chr15-45109934-T-C. GRCh37 (hg19) VCF-style: chr15-45402132-T-C.
Other names: c.1087A>G, p.Ser363Gly (NM_014080.5); short protein forms S363G.
Identifiers: ClinVar variation 3233766 (VCV003233766.2), dbSNP rs1311288291, ClinGen allele CA392277410.

ClinVar aggregate classification (germline): Uncertain significance (1 of 4 stars; one submission).

Allele frequency attached by ClinVar (database versions not stated): gnomAD exomes below 0.00001; gnomAD 0.00001; TOPMed 0.00001.
gnomAD v4.1: 3 of 1,614,112 alleles (0.00019%); highest among the groups gnomAD compares: East Asian, 0.0022%; no homozygotes.

Submission:

Women's Health and Genetics/Laboratory Corporation of America, LabCorp
Classification: Uncertain significance. Last evaluated: 2024-03-26. Review status: criteria provided, single submitter. Criteria: LabCorp Variant Classification Summary - May 2015. Collection method: clinical testing. Allele origin: germline.
Comment: Variant summary: DUOX2 c.1087A>G (p.Ser363Gly) results in a non-conservative amino acid change located in the Dual oxidase, peroxidase domain (IPR034821) of the encoded protein sequence. Four of five in-silico tools predict a benign effect of the variant on protein function. The variant was absent in 251478 control chromosomes (gnomAD). The available data on variant occurrences in the general population are insufficient to allow any conclusion about variant significance. c.1087A>G has been reported in the literature in individuals affected with Congenital Hypothyroidism without strong evidence of causality (e.g. Long_2021, Sun_2021, Zhou_2023. These reports do not provide unequivocal conclusions about association of the variant with Thyroid Dyshormonogenesis 6. At least one publication reports experimental evidence evaluating an impact on protein function, finding a variant effect that results in >50%-90% of normal activity (Sun_2021). The following publications have been ascertained in the context of this evaluation (PMID: 34539567, 34564849, 36423704). No submitters have cited clinical-significance assessments for this variant to ClinVar. Based on the evidence outlined above, the variant was classified as uncertain significance.

Literature cited by the submitters: PubMed 34539567; PubMed 34564849; PubMed 36423704.